The following is an entry in ClinVar:

ClinVar aggregate classification (germline): Likely benign. Review status: criteria provided, multiple submitters, no conflicts (2 of 4 stars). 3 submissions from 3 submitters: Likely benign (2). 1 of the submissions does not count toward it. Last evaluated 2025-03-11.

Conditions:
Pheochromocytoma/paraganglioma syndrome 5. Also called: Paragangliomas 5; SDHA-Related Hereditary Paraganglioma-Pheochromocytoma Syndrome. Identifiers: Orphanet 29072, MedGen C3279992, MONDO:0013602, OMIM 614165.
Mitochondrial complex II deficiency, nuclear type 1. Also called: SUCCINATE CoQ REDUCTASE DEFICIENCY. Identifiers: Orphanet 3208, MedGen C5700310, MONDO:0100294, OMIM 252011.
SDHA-related disorder. Also called: SDHA-related condition; SDHA-related disorders.

Submissions (3):

Myriad Genetics, Inc.
Classification: Likely benign for Pheochromocytoma/paraganglioma syndrome 5. Last evaluated: 2025-03-11. Review status: criteria provided, single submitter. Criteria: Myriad Autosomal Dominant, Autosomal Recessive and X-Linked Classification Criteria (2023). Collection method: clinical testing. Allele origin: unknown.
Comment: This variant is considered likely benign. This variant is intronic and is not expected to impact mRNA splicing.

Labcorp Genetics (formerly Invitae), Labcorp
Classification: Likely benign for Pheochromocytoma/paraganglioma syndrome 5; Mitochondrial complex II deficiency, nuclear type 1. Last evaluated: 2020-12-23. Review status: criteria provided, single submitter. Criteria: Invitae Variant Classification Sherloc (09022015). Collection method: clinical testing. Allele origin: germline.

PreventionGenetics, part of Exact Sciences
Classification: Likely benign for SDHA-related condition. Last evaluated: 2021-02-08. Review status: no assertion criteria provided. Collection method: clinical testing. Allele origin: germline. Not counted in ClinVar's aggregate classification.
Comment: This variant is classified as likely benign based on ACMG/AMP sequence variant interpretation guidelines (Richards et al. 2015 PMID: 25741868, with internal and published modifications).

NM_004168.4(SDHA):c.1908+8T>G

Gene: SDHA (succinate dehydrogenase complex flavoprotein subunit A; plus strand). Cytogenetic location: 5p15.33.
Variant type: single nucleotide variant.
Coding change: c.1908+8T>G on transcript NM_004168.4 (MANE Select); 8 bases into the intron after coding-DNA position 1908, T replaced by G.
Molecular consequence: intron variant.
Genome position (GRCh38, 1-based): chr5:254,514, T>G. VCF-style: chr5-254514-T-G. GRCh37 (hg19) VCF-style: chr5-254629-T-G.
Other names: c.1908+8T>G (NM_004168.3); c.1665+8T>G (NM_001330758.2); c.1764+8T>G (NM_001294332.2).
Identifiers: ClinVar variation 1125947 (VCV001125947.12), dbSNP rs2126641731, ClinGen allele CA2499217827.